The following is an entry in ClinVar:

NM_001382241.1(TNPO2):c.1362C>T (p.Ile454=)

Gene: TNPO2 (transportin 2; minus strand). Cytogenetic location: 19p13.13.
Variant type: single nucleotide variant.
Coding change: c.1362C>T on transcript NM_001382241.1 (MANE Select); coding-DNA position 1362, C replaced by T.
Protein change: p.Ile454=; no amino-acid change (isoleucine 454 retained).
Molecular consequence: synonymous variant. On other transcripts: non-coding transcript variant (6).
Genome position (GRCh38, 1-based): chr19:12,706,704, G>A on the plus strand (C>T on the coding strand, the complement: TNPO2 is on the minus strand). VCF-style: chr19-12706704-G-A. GRCh37 (hg19) VCF-style: chr19-12817518-G-A.
Other names: c.1362C>T, p.Ile454= (NM_001136195.2, NM_001136196.2, NM_001382236.1 and 7 more transcripts).
Identifiers: ClinVar variation 4821071 (VCV004821071.5).

ClinVar aggregate classification (germline): Likely benign. Review status: criteria provided, multiple submitters, no conflicts (2 of 4 stars). 2 submissions from 2 submitters: Likely benign (2). Last evaluated 2026-03-01.

gnomAD v4.1: 502 of 1,613,882 alleles (0.031%); highest among the groups gnomAD compares: African/African-American, 0.53%; 1 homozygote.

Submissions (2):

CeGaT Center for Human Genetics Tuebingen
Classification: Likely benign. Last evaluated: 2026-03-01. Review status: criteria provided, single submitter. Criteria: CeGaT Center For Human Genetics Tuebingen Variant Classification Criteria Version 2. Collection method: clinical testing. Allele origin: germline. Affected: yes. Observed: 1 variant allele.
Comment: TNPO2: BP4, BP7, BS1

Blueprint Genetics
Classification: Likely benign. Last evaluated: 2024-09-13. Review status: criteria provided, single submitter. Criteria: ACMG Guidelines, 2015. Collection method: clinical testing. Allele origin: germline.